The following is an entry in ClinVar:

ClinVar aggregate classification (germline): Uncertain significance (1 of 4 stars; one submission).

Allele frequency attached by ClinVar (database versions not stated): gnomAD 0.00001; TOPMed 0.00004.
gnomAD v4.1: 85 of 1,614,000 alleles (0.0053%); highest among the groups gnomAD compares: Non-Finnish European, 0.0068%; no homozygotes.

Submission:

Labcorp Genetics (formerly Invitae), Labcorp
Classification: Uncertain significance. Last evaluated: 2022-07-06. Review status: criteria provided, single submitter. Criteria: Invitae Variant Classification Sherloc (09022015). Collection method: clinical testing. Allele origin: germline.
Comment: This sequence change replaces histidine, which is basic and polar, with glutamine, which is neutral and polar, at codon 621 of the GLIS3 protein (p.His621Gln). This variant is present in population databases (rs761845139, gnomAD 0.003%). This missense change has been observed in individual(s) with early onset diabetes (PMID: 28938416). Algorithms developed to predict the effect of missense changes on protein structure and function are either unavailable or do not agree on the potential impact of this missense change (SIFT: "Deleterious"; PolyPhen-2: "Possibly Damaging"; Align-GVGD: "Class C15"). Algorithms developed to predict the effect of sequence changes on RNA splicing suggest that this variant may create or strengthen a splice site. In summary, the available evidence is currently insufficient to determine the role of this variant in disease. Therefore, it has been classified as a Variant of Uncertain Significance.

Literature cited by the submitters: PubMed 28938416.

NM_001042413.2(GLIS3):c.2328C>G (p.His776Gln)

Gene: GLIS3 (GLIS family zinc finger 3; minus strand). Cytogenetic location: 9p24.2.
Variant type: single nucleotide variant.
Coding change: c.2328C>G on transcript NM_001042413.2 (MANE Select); coding-DNA position 2328, C replaced by G.
Protein change: p.His776Gln; replaces histidine 776 with glutamine.
Molecular consequence: missense variant.
Genome position (GRCh38, 1-based): chr9:3,856,154, G>C on the plus strand (C>G on the coding strand, the complement: GLIS3 is on the minus strand). VCF-style: chr9-3856154-G-C. GRCh37 (hg19) VCF-style: chr9-3856154-G-C.
Other names: c.1863C>G, p.His621Gln (NM_152629.4); short protein forms H621Q, H776Q.
Identifiers: ClinVar variation 2066545 (VCV002066545.1), dbSNP rs761845139, ClinGen allele CA188287319.
Genomic context (GRCh38, chr9:3,856,154, plus strand): 5'-ATAGGGAGGCTGTGTTCTTTGCAGTATTGAAGAAGGAGCTGGAACTCTCCGGGGGCTGAT[G>C]TGGTGAGGAGATGGAGCAGAAGGTGCAAACCTGAGAAAACAATTATAAAAGGAAACATGA-3'
Protein context (NP_001035878.1, residues 766-786): RFAPSAPSPH[His776Gln]ISPRRVPAPS